The following is an entry in ClinVar:

NM_000304.4(PMP22):c.423G>T (p.Val141=)

Gene: PMP22 (peripheral myelin protein 22; minus strand). Cytogenetic location: 17p12.
Variant type: single nucleotide variant.
Coding change: c.423G>T on transcript NM_000304.4 (MANE Select); coding-DNA position 423, G replaced by T.
Protein change: p.Val141=; no amino-acid change (valine 141 retained).
Molecular consequence: synonymous variant. On other transcripts: non-coding transcript variant (2).
Genome position (GRCh38, 1-based): chr17:15,230,977, C>A on the plus strand (G>T on the coding strand, the complement: PMP22 is on the minus strand). VCF-style: chr17-15230977-C-A. GRCh37 (hg19) VCF-style: chr17-15134294-C-A.
Other names: c.423G>T, p.Val141= (NM_001281455.2, NM_001281456.2, NM_153321.3 and 1 more transcripts).
Identifiers: ClinVar variation 705336 (VCV000705336.10), dbSNP rs144077495, ClinGen allele CA8403302.

ClinVar aggregate classification (germline): Likely benign. Review status: criteria provided, multiple submitters, no conflicts (2 of 4 stars). 2 submissions from 2 submitters: Likely benign (2). Last evaluated 2025-12-16.

Conditions:
Charcot-Marie-Tooth disease, type I (CMT1). Also called: Charcot-Marie-Tooth disease type 1; Charcot-Marie-Tooth, Type 1. Identifiers: Orphanet 65753, MedGen C0751036, MONDO:0019011.
PMP22-related disorder. Also called: PMP22-related disorders; PMP22-related condition.

Allele frequency attached by ClinVar (database versions not stated): gnomAD 0.00021 and 0.00019; gnomAD exomes 0.00002; ExAC 0.00005; ESP Exome Variant Server 0.00015; TOPMed 0.00015.
gnomAD v4.1: 40 of 1,614,038 alleles (0.0025%); highest among the groups gnomAD compares: African/African-American, 0.051%; no homozygotes.

Submissions (2):

PreventionGenetics, part of Exact Sciences
Classification: Likely benign for PMP22-related condition. Last evaluated: 2025-12-16. Review status: criteria provided, single submitter. Criteria: ACMG Guidelines, 2015. Collection method: clinical testing. Allele origin: germline.
Comment: This variant is classified as likely benign based on ACMG/AMP sequence variant interpretation guidelines (Richards et al. 2015 PMID: 25741868, with internal and published modifications).

Labcorp Genetics (formerly Invitae), Labcorp
Classification: Likely benign for Charcot-Marie-Tooth disease, type I. Last evaluated: 2023-04-08. Review status: criteria provided, single submitter. Criteria: Invitae Variant Classification Sherloc (09022015). Collection method: clinical testing. Allele origin: germline.